The following is an entry in ClinVar:

NM_000218.3(KCNQ1):c.1129-9C>T

Gene: KCNQ1 (potassium voltage-gated channel subfamily Q member 1; plus strand). Cytogenetic location: 11p15.5.
Variant type: single nucleotide variant.
Coding change: c.1129-9C>T on transcript NM_000218.3 (MANE Select); 9 bases into the intron before coding-DNA position 1129, C replaced by T.
Molecular consequence: intron variant.
Genome position (GRCh38, 1-based): chr11:2,587,561, C>T. VCF-style: chr11-2587561-C-T. GRCh37 (hg19) VCF-style: chr11-2608791-C-T.
Other names: c.859-9C>T (NM_001406837.1); c.1033-9C>T (NM_001406836.1); c.589-9C>T (NM_001406838.1); c.748-9C>T (NM_181798.2).
Identifiers: ClinVar variation 508364 (VCV000508364.17), dbSNP rs758945992, ClinGen allele CA027332.

ClinVar aggregate classification (germline): Likely benign. Review status: criteria provided, multiple submitters, no conflicts (2 of 4 stars). 5 submissions from 5 submitters: Likely benign (5). Last evaluated 2026-01-05.

Conditions:
Long QT syndrome (LQTS). Identifiers: MedGen C0023976, MeSH D008133, MONDO:0002442. Disease mechanism: loss of function. Inheritance: Various modes of inheritance.
Cardiac arrhythmia. Also called: Arrhythmia; Cardiac rhythm disease. Identifiers: MedGen C0003811, MONDO:0007263, HP:0011675.

Allele frequency attached by ClinVar (database versions not stated): gnomAD exomes 0.00002 and 0.00004; ExAC 0.00004; gnomAD 0.00006; TOPMed 0.00008.
gnomAD v4.1: 37 of 1,613,480 alleles (0.0023%); highest among the groups gnomAD compares: African/African-American, 0.016%; no homozygotes.

Submissions (5):

Labcorp Genetics (formerly Invitae), Labcorp
Classification: Likely benign for Long QT syndrome. Last evaluated: 2026-01-05. Review status: criteria provided, single submitter. Criteria: Invitae Variant Classification Sherloc (09022015). Collection method: clinical testing. Allele origin: germline.

All of Us Research Program, National Institutes of Health
Classification: Likely benign for Long QT syndrome. Last evaluated: 2023-10-27. Review status: criteria provided, single submitter. Criteria: ACMG Guidelines, 2015. Collection method: clinical testing. Allele origin: germline. Inheritance: Autosomal dominant inheritance. Observed: 12 variant alleles, 12 heterozygotes.
Comment: This study involves interpretation of variants in research participants for the purpose of population health screening. Participant phenotype was not available at the time of variant classification. Additional details can be found in publication PMID: 35346344, PMCID: PMC8962531

GeneDx
Classification: Likely benign. Last evaluated: 2020-11-17. Review status: criteria provided, single submitter. Criteria: GeneDx Variant Classification Process June 2021. Collection method: clinical testing. Allele origin: germline. Affected: yes.

Blueprint Genetics
Classification: Likely benign. Last evaluated: 2020-06-30. Review status: criteria provided, single submitter. Criteria: ACMG Guidelines, 2015. Collection method: clinical testing. Allele origin: germline.

Color Diagnostics, LLC DBA Color Health
Classification: Likely benign for Arrhythmia. Last evaluated: 2019-02-08. Review status: criteria provided, single submitter. Criteria: ACMG Guidelines, 2015. Collection method: clinical testing. Allele origin: germline.